The following is an entry in ClinVar:

ClinVar aggregate classification (germline): Uncertain significance. Review status: criteria provided, multiple submitters, no conflicts (2 of 4 stars). 2 submissions from 2 submitters: Uncertain significance (2). Last evaluated 2026-03-23.

Conditions:
Hereditary cancer-predisposing syndrome. Also called: Neoplastic Syndromes, Hereditary; Tumor predisposition; Hereditary Cancer Syndrome; Hereditary neoplastic syndrome. Identifiers: Orphanet 140162, MedGen C0027672, MeSH D009386, MONDO:0015356.
Multiple endocrine neoplasia, type 1 (MEN1). Also called: MEN I; WERMER SYNDROME; Endocrine adenomatosis multiple; MEN 1; MEA I. Identifiers: Orphanet 652, MedGen C0025267, MeSH D018761, MONDO:0007540, OMIM 131100.

Submissions (2):

Ambry Genetics
Classification: Uncertain significance for Hereditary cancer-predisposing syndrome. Last evaluated: 2026-03-23. Review status: criteria provided, single submitter. Criteria: Ambry Variant Classification Scheme 2023. Collection method: clinical testing. Allele origin: germline.
Comment: The p.F11L variant (also known as c.33C>G), located in coding exon 1 of the MEN1 gene, results from a C to G substitution at nucleotide position 33. The phenylalanine at codon 11 is replaced by leucine, an amino acid with highly similar properties. This amino acid position is highly conserved in available vertebrate species. In addition, this alteration is predicted to be deleterious by in silico analysis. Based on the available evidence, the clinical significance of this variant remains unclear.

Labcorp Genetics (formerly Invitae), Labcorp
Classification: Uncertain significance for Multiple endocrine neoplasia, type 1. Last evaluated: 2025-01-29. Review status: criteria provided, single submitter. Criteria: Invitae Variant Classification Sherloc (09022015). Collection method: clinical testing. Allele origin: germline.
Comment: This sequence change replaces phenylalanine, which is neutral and non-polar, with leucine, which is neutral and non-polar, at codon 11 of the MEN1 protein (p.Phe11Leu). This variant is not present in population databases (gnomAD no frequency). This variant has not been reported in the literature in individuals affected with MEN1-related conditions. ClinVar contains an entry for this variant (Variation ID: 1731011). Invitae Evidence Modeling of protein sequence and biophysical properties (such as structural, functional, and spatial information, amino acid conservation, physicochemical variation, residue mobility, and thermodynamic stability) indicates that this missense variant is expected to disrupt MEN1 protein function with a positive predictive value of 95%. In summary, the available evidence is currently insufficient to determine the role of this variant in disease. Therefore, it has been classified as a Variant of Uncertain Significance.

NM_001370259.2(MEN1):c.33C>G (p.Phe11Leu)

Gene: MEN1 (menin 1; minus strand). Cytogenetic location: 11q13.1.
Variant type: single nucleotide variant.
Coding change: c.33C>G on transcript NM_001370259.2 (MANE Select); coding-DNA position 33, C replaced by G.
Protein change: p.Phe11Leu; replaces phenylalanine 11 with leucine.
Molecular consequence: missense variant.
Genome position (GRCh38, 1-based): chr11:64,810,077, G>C on the plus strand (C>G on the coding strand, the complement: MEN1 is on the minus strand). VCF-style: chr11-64810077-G-C. GRCh37 (hg19) VCF-style: chr11-64577549-G-C.
Other names: c.33C>G, p.Phe11Leu (NM_000244.4, NM_001370251.2, NM_001370260.2 and 20 more transcripts); short protein forms F11L.
Identifiers: ClinVar variation 1731011 (VCV001731011.9), dbSNP rs2497290128, ClinGen allele CA381188229.